The following is an entry in ClinVar:

ClinVar aggregate classification (germline): Uncertain significance (1 of 4 stars; one submission).

Allele frequency attached by ClinVar (database versions not stated): gnomAD exomes below 0.00001 and 0.00001; gnomAD 0.00001; TOPMed 0.00002.
gnomAD v4.1: 6 of 1,613,328 alleles (0.00037%); highest among the groups gnomAD compares: South Asian, 0.0011%; no homozygotes.

Submission:

Labcorp Genetics (formerly Invitae), Labcorp
Classification: Uncertain significance. Last evaluated: 2022-08-11. Review status: criteria provided, single submitter. Criteria: Invitae Variant Classification Sherloc (09022015). Collection method: clinical testing. Allele origin: germline.
Comment: In summary, the available evidence is currently insufficient to determine the role of this variant in disease. Therefore, it has been classified as a Variant of Uncertain Significance. Algorithms developed to predict the effect of sequence changes on RNA splicing suggest that this variant may create or strengthen a splice site. ClinVar contains an entry for this variant (Variation ID: 1385990). This variant has not been reported in the literature in individuals affected with EGF-related conditions. This variant is present in population databases (no rsID available, gnomAD 0.0009%). This sequence change falls in intron 15 of the EGF gene. It does not directly change the encoded amino acid sequence of the EGF protein.

NM_001963.6(EGF):c.2372-4A>G

Gene: EGF (epidermal growth factor; plus strand). Cytogenetic location: 4q25.
Variant type: single nucleotide variant.
Coding change: c.2372-4A>G on transcript NM_001963.6 (MANE Select); 4 bases into the intron before coding-DNA position 2372, A replaced by G.
Molecular consequence: intron variant.
Genome position (GRCh38, 1-based): chr4:109,983,418, A>G. VCF-style: chr4-109983418-A-G. GRCh37 (hg19) VCF-style: chr4-110904574-A-G.
Other names: c.2372-4A>G (NM_001178130.3); c.2246-4A>G (NM_001178131.3, NM_001357021.2).
Identifiers: ClinVar variation 1385990 (VCV001385990.4), dbSNP rs1183491150, ClinGen allele CA553668268.
Genomic context (GRCh38, chr4:109,983,418, plus strand): 5'-GAAATCAAACTTTTTTTTTGAAACAGAAAAGCTAAATTTAATTGCATCTATTGACCTTCA[A>G]TAGGTGGTGAAGTTGATCTAAAGAACCAAGTAACACCATTGGACATCTTGTCCAAGACTA-3'